The following is an entry in ClinVar:

ClinVar aggregate classification (germline): Uncertain significance (1 of 4 stars; one submission).

Allele frequency attached by ClinVar (database versions not stated): gnomAD exomes below 0.00001; TOPMed 0.00001.
gnomAD v4.1: 3 of 1,614,236 alleles (0.00019%); highest among the groups gnomAD compares: Admixed American, 0.0033%; no homozygotes.

Submission:

Labcorp Genetics (formerly Invitae), Labcorp
Classification: Uncertain significance. Last evaluated: 2022-07-06. Review status: criteria provided, single submitter. Criteria: Invitae Variant Classification Sherloc (09022015). Collection method: clinical testing. Allele origin: germline.
Comment: This sequence change replaces leucine, which is neutral and non-polar, with valine, which is neutral and non-polar, at codon 278 of the ABHD5 protein (p.Leu278Val). This variant is present in population databases (no rsID available, gnomAD 0.003%). This variant has not been reported in the literature in individuals affected with ABHD5-related conditions. Algorithms developed to predict the effect of missense changes on protein structure and function (SIFT, PolyPhen-2, Align-GVGD) all suggest that this variant is likely to be tolerated. In summary, the available evidence is currently insufficient to determine the role of this variant in disease. Therefore, it has been classified as a Variant of Uncertain Significance.

NM_016006.6(ABHD5):c.832C>G (p.Leu278Val)

Gene: ABHD5 (abhydrolase domain containing 5, lysophosphatidic acid acyltransferase; plus strand). Cytogenetic location: 3p21.33.
Variant type: single nucleotide variant.
Coding change: c.832C>G on transcript NM_016006.6 (MANE Select); coding-DNA position 832, C replaced by G.
Protein change: p.Leu278Val; replaces leucine 278 with valine.
Molecular consequence: missense variant. On other transcripts: non-coding transcript variant (1), intron variant (1).
Genome position (GRCh38, 1-based): chr3:43,717,729, C>G. VCF-style: chr3-43717729-C-G. GRCh37 (hg19) VCF-style: chr3-43759221-C-G.
Other names: c.832C>G, p.Leu278Val (NM_001355186.2); c.709C>G, p.Leu237Val (NM_001365649.1); c.774-714C>G (NM_001365650.1); short protein forms L237V, L278V.
Identifiers: ClinVar variation 2109778 (VCV002109778.3), dbSNP rs1439511213, ClinGen allele CA352347528.